The following is an entry in ClinVar:

NM_130468.4(CHST14):c.110C>A (p.Pro37Gln)

Genes: CHST14 (carbohydrate sulfotransferase 14; plus strand), LOC130056851 (ATAC-STARR-seq lymphoblastoid silent region 6336; plus strand). Cytogenetic location: 15q15.1.
Variant type: single nucleotide variant.
Coding change: c.110C>A on transcript NM_130468.4 (MANE Select); coding-DNA position 110, C replaced by A.
Protein change: p.Pro37Gln; replaces proline 37 with glutamine.
Molecular consequence: missense variant.
Genome position (GRCh38, 1-based): chr15:40,471,323, C>A. VCF-style: chr15-40471323-C-A. GRCh37 (hg19) VCF-style: chr15-40763522-C-A.
Other names: short protein forms P37Q.
Identifiers: ClinVar variation 3031459 (VCV003031459.3), dbSNP rs910863196, ClinGen allele CA268822123.

ClinVar aggregate classification (germline): Uncertain significance. Review status: criteria provided, single submitter (1 of 4 stars). 2 submissions from 2 submitters: Uncertain significance (1). 1 of the submissions does not count toward it. Last evaluated 2025-01-22.

Conditions:
Cardiovascular phenotype. Identifiers: MedGen CN230736.
CHST14-related disorder. Also called: CHST14-related condition.

Allele frequency attached by ClinVar (database versions not stated): gnomAD exomes below 0.00001; TOPMed below 0.00001.

Submissions (2):

Ambry Genetics
Classification: Uncertain significance for Cardiovascular phenotype. Last evaluated: 2025-01-22. Review status: criteria provided, single submitter. Criteria: Ambry Variant Classification Scheme 2023. Collection method: clinical testing. Allele origin: germline.

PreventionGenetics, part of Exact Sciences
Classification: Uncertain significance for CHST14-related condition. Last evaluated: 2023-12-15. Review status: no assertion criteria provided. Collection method: clinical testing. Allele origin: germline. Not counted in ClinVar's aggregate classification.
Comment: The CHST14 c.110C>A variant is predicted to result in the amino acid substitution p.Pro37Gln. To our knowledge, this variant has not been reported in the literature or in a large population database, indicating this variant is rare. At this time, the clinical significance of this variant is uncertain due to the absence of conclusive functional and genetic evidence.